The following is an entry in ClinVar:

ClinVar aggregate classification (germline): Uncertain significance. Review status: criteria provided, multiple submitters, no conflicts (2 of 4 stars). 2 submissions from 2 submitters: Uncertain significance (2). Last evaluated 2022-04-18.

Allele frequency attached by ClinVar (database versions not stated): gnomAD exomes 0.00001; TOPMed 0.00001.
gnomAD v4.1: 4 of 1,613,188 alleles (0.00025%); highest among the groups gnomAD compares: Admixed American, 0.0033%; no homozygotes.

Submissions (2):

Blueprint Genetics
Classification: Uncertain significance. Last evaluated: 2022-04-18. Review status: criteria provided, single submitter. Criteria: ACMG Guidelines, 2015. Collection method: clinical testing. Allele origin: germline.

Labcorp Genetics (formerly Invitae), Labcorp
Classification: Uncertain significance. Last evaluated: 2021-08-26. Review status: criteria provided, single submitter. Criteria: Invitae Variant Classification Sherloc (09022015). Collection method: clinical testing. Allele origin: germline.
Comment: This sequence change replaces proline with leucine at codon 942 of the USH2A protein (p.Pro942Leu). The proline residue is highly conserved and there is a moderate physicochemical difference between proline and leucine. This variant is not present in population databases (ExAC no frequency). This variant has not been reported in the literature in individuals affected with USH2A-related conditions. Algorithms developed to predict the effect of missense changes on protein structure and function output the following: SIFT: "Deleterious"; PolyPhen-2: "Benign"; Align-GVGD: "Class C65". The leucine amino acid residue is found in multiple mammalian species, which suggests that this missense change does not adversely affect protein function. In summary, the available evidence is currently insufficient to determine the role of this variant in disease. Therefore, it has been classified as a Variant of Uncertain Significance.

NM_206933.4(USH2A):c.2825C>T (p.Pro942Leu)

Genes: USH2A (usherin; minus strand), USH2A-AS1 (USH2A antisense RNA 1; plus strand). Cytogenetic location: 1q41.
Variant type: single nucleotide variant.
Coding change: c.2825C>T on transcript NM_206933.4 (MANE Select); coding-DNA position 2825, C replaced by T.
Protein change: p.Pro942Leu; replaces proline 942 with leucine.
Molecular consequence: missense variant.
Genome position (GRCh38, 1-based): chr1:216,232,121, G>A on the plus strand (C>T on the coding strand, the complement: USH2A is on the minus strand). VCF-style: chr1-216232121-G-A. GRCh37 (hg19) VCF-style: chr1-216405463-G-A.
Other names: c.2825C>T, p.Pro942Leu (NM_007123.6); short protein forms P942L.
Identifiers: ClinVar variation 957929 (VCV000957929.4), dbSNP rs1482225576, ClinGen allele CA344863415.
Genomic context (GRCh38, chr1:216,232,121, plus strand): 5'-ATGTGATTAACTGCACCAGTTGTATGGCATGAGCATGGCAGGCAGCCAGTGGCATTGCCT[G>A]GAGAAATATAAAAACCTAGAAATAAAGAAATTAAAAGTTTTATATATACTTTTTATCCAC-3'
Protein context (NP_996816.3, residues 932-952): NQCQPGFYIS[Pro942Leu]GNATGCLPCS